The following is an entry in ClinVar:

NM_005012.4(ROR1):c.2777A>G (p.His926Arg)

Gene: ROR1 (receptor tyrosine kinase like orphan receptor 1; plus strand). Cytogenetic location: 1p31.3.
Variant type: single nucleotide variant.
Coding change: c.2777A>G on transcript NM_005012.4 (MANE Select); coding-DNA position 2777, A replaced by G.
Protein change: p.His926Arg; replaces histidine 926 with arginine.
Molecular consequence: missense variant.
Genome position (GRCh38, 1-based): chr1:64,178,818, A>G. VCF-style: chr1-64178818-A-G. GRCh37 (hg19) VCF-style: chr1-64644501-A-G.
Other names: short protein forms H926R.
Identifiers: ClinVar variation 1899514 (VCV001899514.5), dbSNP rs2522937945, ClinGen allele CA340648939.

ClinVar aggregate classification (germline): Uncertain significance (1 of 4 stars; one submission).

Allele frequency attached by ClinVar (database versions not stated): gnomAD exomes below 0.00001.
gnomAD v4.1: 1 of 1,614,072 alleles (0.000062%); highest among the groups gnomAD compares: Non-Finnish European, 0.000085%; no homozygotes.

Submission:

Labcorp Genetics (formerly Invitae), Labcorp
Classification: Uncertain significance. Last evaluated: 2022-10-21. Review status: criteria provided, single submitter. Criteria: Invitae Variant Classification Sherloc (09022015). Collection method: clinical testing. Allele origin: germline.
Comment: In summary, the available evidence is currently insufficient to determine the role of this variant in disease. Therefore, it has been classified as a Variant of Uncertain Significance. Algorithms developed to predict the effect of missense changes on protein structure and function (SIFT, PolyPhen-2, Align-GVGD) all suggest that this variant is likely to be tolerated. This variant has not been reported in the literature in individuals affected with ROR1-related conditions. This variant is not present in population databases (gnomAD no frequency). This sequence change replaces histidine, which is basic and polar, with arginine, which is basic and polar, at codon 926 of the ROR1 protein (p.His926Arg).